The following is an entry in ClinVar:

NM_016194.4(GNB5):c.494+1G>T

Gene: GNB5 (G protein subunit beta 5; minus strand). Cytogenetic location: 15q21.2.
Variant type: single nucleotide variant.
Coding change: c.494+1G>T on transcript NM_016194.4 (MANE Select); the canonical splice donor site of the intron after coding-DNA position 494, G replaced by T.
Molecular consequence: splice donor variant.
Genome position (GRCh38, 1-based): chr15:52,147,458, C>A on the plus strand (G>T on the coding strand, the complement: GNB5 is on the minus strand). VCF-style: chr15-52147458-C-A. GRCh37 (hg19) VCF-style: chr15-52439655-C-A.
Other names: c.368+1G>T (NM_006578.4); c.212+1G>T (NM_001379343.1).
Identifiers: ClinVar variation 1723418 (VCV001723418.1), dbSNP rs2543008738, ClinGen allele CA392478372.

ClinVar aggregate classification (germline): Likely pathogenic (1 of 4 stars; one submission).

Conditions:
GNB5-related disorder. Also called: GNB5-related condition; GNB5-related disorders.

Submission:

Women's Health and Genetics/Laboratory Corporation of America, LabCorp
Classification: Likely pathogenic for GNB5-Related Disorders. Last evaluated: 2022-10-28. Review status: criteria provided, single submitter. Criteria: LabCorp Variant Classification Summary - May 2015. Collection method: clinical testing. Allele origin: germline.
Comment: Variant summary: GNB5 c.494+1G>T is located in a canonical splice-site and is predicted to affect mRNA splicing resulting in a significantly altered protein due to either exon skipping, shortening, or inclusion of intronic material. Several computational tools predict a significant impact on normal splicing: Four predict the variant abolishes the canonical 5' splicing donor site. However, these predictions have yet to be confirmed by functional studies. The variant was absent in 251350 control chromosomes (gnomAD). To our knowledge, no occurrence of c.494+1G>T in individuals affected with GNB5-Related Disorders and no experimental evidence demonstrating its impact on protein function have been reported. No clinical diagnostic laboratories have submitted clinical-significance assessments for this variant to ClinVar after 2014. Based on the evidence outlined above, the variant was classified as likely pathogenic.